The following is an entry in ClinVar:

ClinVar aggregate classification (germline): Uncertain significance (1 of 4 stars; one submission).

gnomAD v4.1: 16 of 1,613,590 alleles (0.00099%); highest among the groups gnomAD compares: Non-Finnish European, 0.0014%; no homozygotes.

Submission:

Labcorp Genetics (formerly Invitae), Labcorp
Classification: Uncertain significance. Last evaluated: 2022-09-15. Review status: criteria provided, single submitter. Criteria: Invitae Variant Classification Sherloc (09022015). Collection method: clinical testing. Allele origin: germline.
Comment: This variant has not been reported in the literature in individuals affected with SON-related conditions. In summary, the available evidence is currently insufficient to determine the role of this variant in disease. Therefore, it has been classified as a Variant of Uncertain Significance. Algorithms developed to predict the effect of sequence changes on RNA splicing suggest that this variant may create or strengthen a splice site. Algorithms developed to predict the effect of missense changes on protein structure and function are either unavailable or do not agree on the potential impact of this missense change (SIFT: "Tolerated"; PolyPhen-2: "Possibly Damaging"; Align-GVGD: "Class C0"). This variant is not present in population databases (gnomAD no frequency). This sequence change replaces alanine, which is neutral and non-polar, with valine, which is neutral and non-polar, at codon 49 of the SON protein (p.Ala49Val).

NM_138927.4(SON):c.146C>T (p.Ala49Val)

Gene: SON (SON DNA and RNA binding protein; plus strand). Cytogenetic location: 21q22.11.
Variant type: single nucleotide variant.
Coding change: c.146C>T on transcript NM_138927.4 (MANE Select); coding-DNA position 146, C replaced by T.
Protein change: p.Ala49Val; replaces alanine 49 with valine.
Molecular consequence: missense variant. On other transcripts: non-coding transcript variant (1).
Genome position (GRCh38, 1-based): chr21:33,546,281, C>T. VCF-style: chr21-33546281-C-T. GRCh37 (hg19) VCF-style: chr21-34918587-C-T.
Other names: c.146C>T, p.Ala49Val (NM_001291412.3, NM_001412132.1, NM_001412133.1 and 4 more transcripts); short protein forms A49V.
Identifiers: ClinVar variation 2189568 (VCV002189568.4), dbSNP rs750309161, ClinGen allele CA410149263.